The following is an entry in ClinVar:

ClinVar aggregate classification (germline): Likely benign (1 of 4 stars; one submission).

gnomAD v4.1: 80 of 1,614,032 alleles (0.005%); highest among the groups gnomAD compares: Middle Eastern, 0.016%; no homozygotes.

Submission:

CeGaT Center for Human Genetics Tuebingen
Classification: Likely benign. Last evaluated: 2025-01-01. Review status: criteria provided, single submitter. Criteria: CeGaT Center For Human Genetics Tuebingen Variant Classification Criteria Version 2. Collection method: clinical testing. Allele origin: germline. Affected: yes. Observed: 1 variant allele.
Comment: SREBF2: BP4, BP7

NM_004599.4(SREBF2):c.1083C>T (p.Asp361=)

Gene: SREBF2 (sterol regulatory element binding transcription factor 2; plus strand). Cytogenetic location: 22q13.2.
Variant type: single nucleotide variant.
Coding change: c.1083C>T on transcript NM_004599.4 (MANE Select); coding-DNA position 1083, C replaced by T.
Protein change: p.Asp361=; no amino-acid change (aspartic acid 361 retained).
Molecular consequence: synonymous variant. On other transcripts: non-coding transcript variant (1).
Genome position (GRCh38, 1-based): chr22:41,874,013, C>T. VCF-style: chr22-41874013-C-T. GRCh37 (hg19) VCF-style: chr22-42270017-C-T.
Identifiers: ClinVar variation 3771339 (VCV003771339.13).